The following is an entry in ClinVar:

ClinVar aggregate classification (germline): Uncertain significance. Review status: criteria provided, multiple submitters, no conflicts (2 of 4 stars). 2 submissions from 2 submitters: Uncertain significance (2). Last evaluated 2026-06-09.

Conditions:
Baller-Gerold syndrome (BGS). Also called: CRANIOSYNOSTOSIS WITH RADIAL DEFECTS. Identifiers: Orphanet 1225, MedGen C0265308, MONDO:0009039, OMIM 218600.
Inborn genetic diseases. Identifiers: MedGen C0950123, MeSH D030342.

Submissions (2):

Ambry Genetics
Classification: Uncertain significance for Inborn genetic diseases. Last evaluated: 2026-06-09. Review status: criteria provided, single submitter. Criteria: Ambry Variant Classification Scheme 2023. Collection method: clinical testing. Allele origin: germline.
Comment: The p.G589A variant (also known as c.1766G>C), located in coding exon 11 of the RECQL4 gene, results from a G to C substitution at nucleotide position 1766. The glycine at codon 589 is replaced by alanine, an amino acid with similar properties. This amino acid position is conserved. In addition, this alteration is predicted to be tolerated by in silico analysis. Based on the available evidence, the clinical significance of this variant remains unclear.

Labcorp Genetics (formerly Invitae), Labcorp
Classification: Uncertain significance for Baller-Gerold syndrome. Last evaluated: 2024-04-22. Review status: criteria provided, single submitter. Criteria: Invitae Variant Classification Sherloc (09022015). Collection method: clinical testing. Allele origin: germline.
Comment: This sequence change replaces glycine, which is neutral and non-polar, with alanine, which is neutral and non-polar, at codon 589 of the RECQL4 protein (p.Gly589Ala). This variant is not present in population databases (gnomAD no frequency). This variant has not been reported in the literature in individuals affected with RECQL4-related conditions. ClinVar contains an entry for this variant (Variation ID: 1479609). Advanced modeling of protein sequence and biophysical properties (such as structural, functional, and spatial information, amino acid conservation, physicochemical variation, residue mobility, and thermodynamic stability) performed at Invitae indicates that this missense variant is not expected to disrupt RECQL4 protein function with a negative predictive value of 80%. In summary, the available evidence is currently insufficient to determine the role of this variant in disease. Therefore, it has been classified as a Variant of Uncertain Significance.

NM_004260.4(RECQL4):c.1766G>C (p.Gly589Ala)

Gene: RECQL4 (RecQ like helicase 4; minus strand). Cytogenetic location: 8q24.3.
Variant type: single nucleotide variant.
Coding change: c.1766G>C on transcript NM_004260.4 (MANE Select); coding-DNA position 1766, G replaced by C.
Protein change: p.Gly589Ala; replaces glycine 589 with alanine.
Molecular consequence: missense variant.
Genome position (GRCh38, 1-based): chr8:144,514,301, C>G on the plus strand (G>C on the coding strand, the complement: RECQL4 is on the minus strand). VCF-style: chr8-144514301-C-G. GRCh37 (hg19) VCF-style: chr8-145739685-C-G.
Other names: c.1766G>C (NM_004260.3); short protein forms G589A.
Identifiers: ClinVar variation 1479609 (VCV001479609.7), dbSNP rs1586810698, ClinGen allele CA372681024.